The following is an entry in ClinVar:

NM_001080467.3(MYO5B):c.3488T>G (p.Leu1163Arg)

Gene: MYO5B (myosin VB; minus strand). Cytogenetic location: 18q21.1.
Variant type: single nucleotide variant.
Coding change: c.3488T>G on transcript NM_001080467.3 (MANE Select); coding-DNA position 3488, T replaced by G.
Protein change: p.Leu1163Arg; replaces leucine 1163 with arginine.
Molecular consequence: missense variant.
Genome position (GRCh38, 1-based): chr18:49,875,736, A>C on the plus strand (T>G on the coding strand, the complement: MYO5B is on the minus strand). VCF-style: chr18-49875736-A-C. GRCh37 (hg19) VCF-style: chr18-47402106-A-C.
Other names: short protein forms L1163R.
Identifiers: ClinVar variation 327026 (VCV000327026.16), dbSNP rs201109748, ClinGen allele CA8960708.
Genomic context (GRCh38, chr18:49,875,736, plus strand): 5'-CCTTCACGTACCTGGACTTTCTTGCTGTCCTGCTGTTCTCTCTTCTCCAGCTGCACTTGC[A>C]GCTTTTTCCTCTCCTGCTCCAGCTCCCGTACTCTCTTCTGCAGCTTCAGGAAGACCGTCA-3'
Protein context (NP_001073936.1, residues 1153-1173): VRELEQERKK[Leu1163Arg]QVQLEKREQQ

ClinVar aggregate classification (germline): Conflicting classifications of pathogenicity. Review status: criteria provided, conflicting classifications (1 of 4 stars). 4 submissions from 4 submitters: Uncertain significance (1); Benign (1); Likely benign (1). 1 of the submissions does not count toward it. Last evaluated 2026-01-24.

Conditions:
Cholestasis, progressive familial intrahepatic, 10 (PFIC10). Identifiers: MedGen C5676981, MONDO:0030810, OMIM 619868.
Congenital microvillous atrophy (DIAR2). Also called: DAVIDSON DISEASE; MICROVILLUS ATROPHY, CONGENITAL; Microvillus inclusion disease; Diarrhea 2 with microvillus atrophy, with or without cholestasis; CONGENITAL FAMILIAL PROTRACTED DIARRHEA WITH ENTEROCYTE BRUSH-BORDER ABNORMALITIES. Identifiers: Orphanet 2290, MedGen C0341306, MONDO:0009635, OMIM 251850.
MYO5B-related disorder. Also called: MYO5B-related condition.

Allele frequency attached by ClinVar (database versions not stated): gnomAD exomes 0.00036 and 0.00082; gnomAD 0.00041 and 0.00043; TOPMed 0.00049; ExAC 0.00051; ESP Exome Variant Server 0.00072.
gnomAD v4.1: 652 of 1,614,030 alleles (0.04%); highest among the groups gnomAD compares: Non-Finnish European, 0.0097%; 2 homozygotes.

Submissions (4):

Labcorp Genetics (formerly Invitae), Labcorp
Classification: Benign. Last evaluated: 2026-01-24. Review status: criteria provided, single submitter. Criteria: Invitae Variant Classification Sherloc (09022015). Collection method: clinical testing. Allele origin: germline.

Department of Pathology and Laboratory Medicine, Sinai Health System
Classification: Likely benign for Congenital microvillous atrophy; Cholestasis, progressive familial intrahepatic, 10. Last evaluated: 2021-07-30. Review status: criteria provided, single submitter. Criteria: ACMG Guidelines, 2015. Collection method: research. Allele origin: germline.

Illumina Laboratory Services, Illumina
Classification: Uncertain significance for Congenital microvillous atrophy. Last evaluated: 2018-01-13. Review status: criteria provided, single submitter. Criteria: ICSL Variant Classification Criteria 13 December 2019. Collection method: clinical testing. Allele origin: germline.

PreventionGenetics, part of Exact Sciences
Classification: Likely benign for MYO5B-related condition. Last evaluated: 2021-04-08. Review status: no assertion criteria provided. Collection method: clinical testing. Allele origin: germline. Not counted in ClinVar's aggregate classification.
Comment: This variant is classified as likely benign based on ACMG/AMP sequence variant interpretation guidelines (Richards et al. 2015 PMID: 25741868, with internal and published modifications).